The following is an entry in ClinVar:

NM_004946.3(DOCK2):c.1288C>G (p.Leu430Val)

Gene: DOCK2 (dedicator of cytokinesis 2; plus strand). Cytogenetic location: 5q35.1.
Variant type: single nucleotide variant.
Coding change: c.1288C>G on transcript NM_004946.3 (MANE Select); coding-DNA position 1288, C replaced by G.
Protein change: p.Leu430Val; replaces leucine 430 with valine.
Molecular consequence: missense variant. On other transcripts: non-coding transcript variant (1).
Genome position (GRCh38, 1-based): chr5:169,702,332, C>G. VCF-style: chr5-169702332-C-G. GRCh37 (hg19) VCF-style: chr5-169129336-C-G.
Other names: c.1288C>G, p.Leu430Val (LRG_1227t1); short protein forms L430V.
Identifiers: ClinVar variation 542615 (VCV000542615.11), dbSNP rs370264550, ClinGen allele CA3553418.
Genomic context (GRCh38, chr5:169,702,332, plus strand): 5'-TAACTCTTGTCTCTCTCTCCCTCTGCCTCAGGGGATGTCAGGAACGACATCTACATTACT[C>G]TCTTACAAGGTGACTTTGACAAGTACAACAAGACCACACAGAGGAATGTGGAAGTCATCA-3'
Protein context (NP_004937.1, residues 420-440): GDVRNDIYIT[Leu430Val]LQGDFDKYNK

ClinVar aggregate classification (germline): Uncertain significance. Review status: criteria provided, multiple submitters, no conflicts (2 of 4 stars). 2 submissions from 2 submitters: Uncertain significance (2). Last evaluated 2025-06-07.

Conditions:
Inborn genetic diseases. Identifiers: MedGen C0950123, MeSH D030342.
DOCK2 deficiency. Also called: Immunodeficiency 40. Identifiers: Orphanet 447737, MedGen C4225328, MONDO:0014637, OMIM 616433.

Allele frequency attached by ClinVar (database versions not stated): TOPMed 0.00003; gnomAD exomes 0.00002; gnomAD 0.00004; ExAC 0.00002; ESP Exome Variant Server 0.00008.
gnomAD v4.1: 39 of 1,613,830 alleles (0.0024%); highest among the groups gnomAD compares: Non-Finnish European, 0.0032%; no homozygotes.

Submissions (2):

Ambry Genetics
Classification: Uncertain significance for Inborn genetic diseases. Last evaluated: 2025-06-07. Review status: criteria provided, single submitter. Criteria: Ambry Variant Classification Scheme 2023. Collection method: clinical testing. Allele origin: germline.

Labcorp Genetics (formerly Invitae), Labcorp
Classification: Uncertain significance for DOCK2 deficiency. Last evaluated: 2022-06-04. Review status: criteria provided, single submitter. Criteria: Invitae Variant Classification Sherloc (09022015). Collection method: clinical testing. Allele origin: germline.
Comment: This sequence change replaces leucine, which is neutral and non-polar, with valine, which is neutral and non-polar, at codon 430 of the DOCK2 protein (p.Leu430Val). This variant is present in population databases (rs370264550, gnomAD 0.005%). This variant has not been reported in the literature in individuals affected with DOCK2-related conditions. ClinVar contains an entry for this variant (Variation ID: 542615). Algorithms developed to predict the effect of missense changes on protein structure and function are either unavailable or do not agree on the potential impact of this missense change (SIFT: "Deleterious"; PolyPhen-2: "Benign"; Align-GVGD: "Class C15"). In summary, the available evidence is currently insufficient to determine the role of this variant in disease. Therefore, it has been classified as a Variant of Uncertain Significance.